The following is an entry in ClinVar:

ClinVar aggregate classification (germline): Conflicting classifications of pathogenicity. Review status: criteria provided, conflicting classifications (1 of 4 stars). 2 submissions from 2 submitters: Uncertain significance (1); Likely benign (1). Last evaluated 2026-04-24.

Submissions (2):

GeneDx
Classification: Uncertain significance. Last evaluated: 2026-04-24. Review status: criteria provided, single submitter. Criteria: GeneDx Variant Classification Process June 2021. Collection method: clinical testing. Allele origin: germline.
Comment: Not observed at significant frequency in large population cohorts (gnomAD); In silico analysis supports that this missense variant has a deleterious effect on protein structure/function; Has not been previously published as pathogenic or benign to our knowledge

Labcorp Genetics (formerly Invitae), Labcorp
Classification: Likely benign. Last evaluated: 2024-11-18. Review status: criteria provided, single submitter. Criteria: Invitae Variant Classification Sherloc (09022015). Collection method: clinical testing. Allele origin: germline.

NM_001205293.3(CACNA1E):c.3432G>C (p.Arg1144Ser)

Gene: CACNA1E (calcium voltage-gated channel subunit alpha1 E; plus strand). Cytogenetic location: 1q25.3.
Variant type: single nucleotide variant.
Coding change: c.3432G>C on transcript NM_001205293.3 (MANE Select); coding-DNA position 3432, G replaced by C.
Protein change: p.Arg1144Ser; replaces arginine 1144 with serine.
Molecular consequence: missense variant.
Genome position (GRCh38, 1-based): chr1:181,737,534, G>C. VCF-style: chr1-181737534-G-C. GRCh37 (hg19) VCF-style: chr1-181706670-G-C.
Other names: c.3432G>C, p.Arg1144Ser (NM_000721.4); c.3375G>C, p.Arg1125Ser (NM_001205294.2); c.3432G>C (NM_000721.3); short protein forms R1144S, R1125S.
Identifiers: ClinVar variation 3685960 (VCV003685960.3).
Genomic context (GRCh38, chr1:181,737,534, plus strand): 5'-GCATGGGCGTGGTGGGGAGTGGGCCAGCTCAGCCATGCCCACTGCCCGCAGGATCCGGAG[G>C]GCCTGCCACTACATCGTGAACCTGCGCTACTTTGAGATGTGCATCCTCCTGGTGATTGCA-3'
Protein context (NP_001192222.1, residues 1134-1154): FIFSTTNPIR[Arg1144Ser]ACHYIVNLRY